The following is an entry in ClinVar:

ClinVar aggregate classification (germline): Uncertain significance. Review status: criteria provided, multiple submitters, no conflicts (2 of 4 stars). 2 submissions from 2 submitters: Uncertain significance (2). Last evaluated 2023-12-05.

Conditions:
Familial thoracic aortic aneurysm and aortic dissection (TAAD). Also called: Thoracic aortic aneurysms and dissections. Identifiers: Orphanet 91387, MedGen C4707243, MONDO:0019625.

Submissions (2):

Color Diagnostics, LLC DBA Color Health
Classification: Uncertain significance for Familial thoracic aortic aneurysm and aortic dissection. Last evaluated: 2023-12-05. Review status: criteria provided, single submitter. Criteria: ACMG Guidelines, 2015. Collection method: clinical testing. Allele origin: germline.
Comment: Variant of Uncertain Significance due to insufficient evidence: This missense variant replaces glutamic acid with alanine at codon 5 of the ACTA2 protein. Computational prediction tools and conservation analyses suggest that this variant may have deleterious impact on the protein function. Computational splicing tools suggest that this variant may not impact RNA splicing. To our knowledge, functional assays have not been performed for this variant nor has this variant been reported in individuals affected with cardiovascular disorders in the literature. This variant is rare in the general population and has been identified in 0/277264 chromosomes by the Genome Aggregation Database (gnomAD). Available evidence is insufficient to determine the pathogenicity of this variant conclusively.

Ambry Genetics
Classification: Uncertain significance for Familial thoracic aortic aneurysm and aortic dissection. Last evaluated: 2018-01-03. Review status: criteria provided, single submitter. Criteria: Ambry Variant Classification Scheme 2023. Collection method: clinical testing. Allele origin: germline.
Comment: The p.E5A variant (also known as c.14A>C), located in coding exon 1 of the ACTA2 gene, results from an A to C substitution at nucleotide position 14. The glutamic acid at codon 5 is replaced by alanine, an amino acid with dissimilar properties. This amino acid position is well conserved in available vertebrate species. In addition, the in silico prediction for this alteration is inconclusive. Since supporting evidence is limited at this time, the clinical significance of this alteration remains unclear.

NM_001613.4(ACTA2):c.14A>C (p.Glu5Ala)

Gene: ACTA2 (actin alpha 2, smooth muscle; minus strand). Cytogenetic location: 10q23.31.
Variant type: single nucleotide variant.
Coding change: c.14A>C on transcript NM_001613.4 (MANE Select); coding-DNA position 14, A replaced by C.
Protein change: p.Glu5Ala; replaces glutamic acid 5 with alanine.
Molecular consequence: missense variant.
Genome position (GRCh38, 1-based): chr10:88,948,917, T>G on the plus strand (A>C on the coding strand, the complement: ACTA2 is on the minus strand). VCF-style: chr10-88948917-T-G. GRCh37 (hg19) VCF-style: chr10-90708674-T-G.
Other names: c.14A>C, p.Glu5Ala (NM_001141945.3, NM_001320855.2, NM_001406462.1 and 7 more transcripts); short protein forms E5A.
Identifiers: ClinVar variation 928192 (VCV000928192.9), dbSNP rs1846001785, ClinGen allele CA377513830.